The following is an entry in ClinVar:

NM_024642.5(GALNT12):c.72C>T (p.Leu24=)

Genes: GALNT12 (polypeptide N-acetylgalactosaminyltransferase 12; plus strand), LOC130002222 (ATAC-STARR-seq lymphoblastoid silent region 20123; plus strand). Cytogenetic location: 9q22.33.
Variant type: single nucleotide variant.
Coding change: c.72C>T on transcript NM_024642.5 (MANE Select); coding-DNA position 72, C replaced by T.
Protein change: p.Leu24=; no amino-acid change (leucine 24 retained).
Molecular consequence: synonymous variant.
Genome position (GRCh38, 1-based): chr9:98,807,770, C>T. VCF-style: chr9-98807770-C-T. GRCh37 (hg19) VCF-style: chr9-101570052-C-T.
Identifiers: ClinVar variation 1151938 (VCV001151938.12), dbSNP rs1292527069, ClinGen allele CA466423701.

ClinVar aggregate classification (germline): Benign/Likely benign. Review status: criteria provided, multiple submitters, no conflicts (2 of 4 stars). 3 submissions from 3 submitters: Benign (1); Likely benign (2). Last evaluated 2026-04-22.

Conditions:
Colorectal cancer, susceptibility to, 1. Also called: COLORECTAL ADENOMA AND CANCER, SUSCEPTIBILITY TO; COLORECTAL CANCER, SUSCEPTIBILITY TO, ON CHROMOSOME 9. Identifiers: MedGen C1837315, MONDO:0012132, OMIM 608812.

gnomAD v4.1: 2 of 1,166,606 alleles (0.00017%); highest among the groups gnomAD compares: Non-Finnish European, 0.00021%; no homozygotes.

Submissions (3):

Myriad Genetics, Inc.
Classification: Benign for Colorectal cancer, susceptibility to, 1. Last evaluated: 2026-04-22. Review status: criteria provided, single submitter. Criteria: Myriad Autosomal Dominant, Autosomal Recessive and X-Linked Classification Criteria (2023). Collection method: clinical testing. Allele origin: unknown.
Comment: This variant is considered benign. This variant is a silent/synonymous amino acid change and it is not expected to impact splicing.

Labcorp Genetics (formerly Invitae), Labcorp
Classification: Likely benign. Last evaluated: 2024-05-22. Review status: criteria provided, single submitter. Criteria: Invitae Variant Classification Sherloc (09022015). Collection method: clinical testing. Allele origin: germline.

Ambry Genetics
Classification: Likely benign. Last evaluated: 2020-06-26. Review status: criteria provided, single submitter. Criteria: Ambry Variant Classification Scheme 2023. Collection method: clinical testing. Allele origin: germline.